The following is an entry in ClinVar:

NM_004519.4(KCNQ3):c.38GCG[6] (p.Gly15_Gly16dup)

Gene: KCNQ3 (potassium voltage-gated channel subfamily Q member 3; minus strand). Cytogenetic location: 8q24.22.
Variant type: Microsatellite.
Coding change: c.38GCG[6] on transcript NM_004519.4 (MANE Select); six copies in a row of the 3-base unit GCG starting at c.38; the reference has four copies in a row; two copies, 6 bases duplicated.
Protein change: p.Gly15_Gly16dup.
Molecular consequence: inframe insertion.
Genome position (GRCh38, 1-based): chr8:132,480,484-132,480,489, CGCCGC duplicated on the plus strand (GCGGCG on the coding strand, the reverse complement: KCNQ3 is on the minus strand); duplicating any 6 consecutive bases within chr8:132,480,484-132,480,496 gives the same sequence; the position shown is the placement nearest the transcript's 3' end. VCF-style (leftmost placement, unchanged base first): chr8-132480483-T-TCGCCGC. GRCh37 (hg19) VCF-style: chr8-133492730-T-TCGCCGC.
Identifiers: ClinVar variation 1379509 (VCV001379509.11), dbSNP rs981093917, ClinGen allele CA2579252055.
Genomic context (GRCh38, chr8:132,480,483, plus strand): 5'-CCGGCCGCCGCCGCGTCCCCTCCGGCTGGGTTAGCCGCCCCGCCGCCTCCGCCGCCCCCG[T>TCGCCGC]CGCCGCCGCCGCCAGCCGCCCCCGCCGCCCTGCGCGCCTTGAGCCCCATCTGCCTCGCCC-3'

ClinVar aggregate classification (germline): Uncertain significance. Review status: criteria provided, multiple submitters, no conflicts (2 of 4 stars). 2 submissions from 2 submitters: Uncertain significance (2). Last evaluated 2026-07-20.

Conditions:
Inborn genetic diseases. Identifiers: MedGen C0950123, MeSH D030342.
Benign neonatal seizures. Also called: Benign familial neonatal seizures; Convulsions benign familial neonatal dominant form; Autosomal dominant form of benign neonatal seizures; Benign familial neonatal epilepsy; Benign neonatal familial convulsions. Identifiers: Orphanet 1949, MedGen C0220669, MONDO:0016027.

Submissions (2):

Ambry Genetics
Classification: Uncertain significance for Inborn genetic diseases. Last evaluated: 2026-07-20. Review status: criteria provided, single submitter. Criteria: Ambry Variant Classification Scheme 2023. Collection method: clinical testing. Allele origin: germline.
Comment: The c.44_49dupGCGGCG (p.G15_G16dup) alteration is located in exon 1 (coding exon 1) of the KCNQ3 gene. The alteration consists of an in-frame duplication of 6 nucleotides from position 44 to 49, resulting in the duplication of 2 residues. This variant was not reported in population-based cohorts in the Genome Aggregation Database (gnomAD). Based on insufficient or conflicting evidence, the clinical significance of this alteration remains unclear.

Labcorp Genetics (formerly Invitae), Labcorp
Classification: Uncertain significance for Benign neonatal seizures. Last evaluated: 2022-01-16. Review status: criteria provided, single submitter. Criteria: Invitae Variant Classification Sherloc (09022015). Collection method: clinical testing. Allele origin: germline.
Comment: This variant has not been reported in the literature in individuals affected with KCNQ3-related conditions. In summary, the available evidence is currently insufficient to determine the role of this variant in disease. Therefore, it has been classified as a Variant of Uncertain Significance. Experimental studies and prediction algorithms are not available or were not evaluated, and the functional significance of this variant is currently unknown. This variant is not present in population databases (gnomAD no frequency). This variant, c.44_49dup, results in the insertion of 2 amino acid(s) of the KCNQ3 protein (p.Gly15_Gly16dup), but otherwise preserves the integrity of the reading frame.